The following is an entry in ClinVar:

NM_006904.7(PRKDC):c.7348G>C (p.Glu2450Gln)

Gene: PRKDC (protein kinase, DNA-activated, catalytic subunit; minus strand). Cytogenetic location: 8q11.21.
Variant type: single nucleotide variant.
Coding change: c.7348G>C on transcript NM_006904.7 (MANE Select); coding-DNA position 7348, G replaced by C.
Protein change: p.Glu2450Gln; replaces glutamic acid 2450 with glutamine.
Molecular consequence: missense variant.
Genome position (GRCh38, 1-based): chr8:47,840,122, C>G on the plus strand (G>C on the coding strand, the complement: PRKDC is on the minus strand). VCF-style: chr8-47840122-C-G. GRCh37 (hg19) VCF-style: chr8-48752683-C-G.
Other names: c.7348G>C, p.Glu2450Gln (NM_001081640.2); short protein forms E2450Q.
Identifiers: ClinVar variation 2420655 (VCV002420655.2), dbSNP rs756322024, ClinGen allele CA4740129.

ClinVar aggregate classification (germline): Uncertain significance (1 of 4 stars; one submission).

Conditions:
Severe combined immunodeficiency due to DNA-PKcs deficiency. Also called: IMMUNODEFICIENCY 26 WITH NEUROLOGIC ABNORMALITIES; Immunodeficiency 26 with or without neurologic abnormalities. Identifiers: Orphanet 317425, MedGen C4014833, MONDO:0014423, OMIM 615966.

Allele frequency attached by ClinVar (database versions not stated): gnomAD exomes below 0.00001; ExAC 0.00004.
gnomAD v4.1: 3 of 1,596,854 alleles (0.00019%); highest among the groups gnomAD compares: Non-Finnish European, 0.00026%; no homozygotes.

Submission:

Labcorp Genetics (formerly Invitae), Labcorp
Classification: Uncertain significance for Severe combined immunodeficiency due to DNA-PKcs deficiency. Last evaluated: 2021-12-31. Review status: criteria provided, single submitter. Criteria: Invitae Variant Classification Sherloc (09022015). Collection method: clinical testing. Allele origin: germline.
Comment: This sequence change replaces glutamic acid, which is acidic and polar, with glutamine, which is neutral and polar, at codon 2450 of the PRKDC protein (p.Glu2450Gln). This variant is present in population databases (rs756322024, gnomAD 0.002%). This variant has not been reported in the literature in individuals affected with PRKDC-related conditions. Experimental studies and prediction algorithms are not available or were not evaluated, and the functional significance of this variant is currently unknown. In summary, the available evidence is currently insufficient to determine the role of this variant in disease. Therefore, it has been classified as a Variant of Uncertain Significance.